The following is an entry in ClinVar:

ClinVar aggregate classification (germline): Uncertain significance (1 of 4 stars; one submission).

Submission:

GeneDx
Classification: Uncertain significance. Last evaluated: 2022-04-28. Review status: criteria provided, single submitter. Criteria: GeneDx Variant Classification Process June 2021. Collection method: clinical testing. Allele origin: germline. Affected: yes.
Comment: Not observed at significant frequency in large population cohorts (gnomAD); In silico analysis supports that this missense variant does not alter protein structure/function; Has not been previously published as pathogenic or benign to our knowledge

NM_001372044.2(SHANK3):c.2361G>C (p.Glu787Asp)

Gene: SHANK3 (SH3 and multiple ankyrin repeat domains 3; plus strand). Cytogenetic location: 22q13.33.
Variant type: single nucleotide variant.
Coding change: c.2361G>C on transcript NM_001372044.2 (MANE Select); coding-DNA position 2361, G replaced by C.
Protein change: p.Glu787Asp; replaces glutamic acid 787 with aspartic acid.
Molecular consequence: missense variant.
Genome position (GRCh38, 1-based): chr22:50,714,918, G>C. VCF-style: chr22-50714918-G-C. GRCh37 (hg19) VCF-style: chr22-51153346-G-C.
Other names: c.2136G>C, p.Glu712Asp (NM_033517.1); short protein forms E712D, E787D.
Identifiers: ClinVar variation 1723719 (VCV001723719.2), dbSNP rs2518417755, ClinGen allele CA515257662.
Genomic context (GRCh38, chr22:50,714,918, plus strand): 5'-CATGGCAGTGGGGCAGGAGGTGGCCCAGGCAGCTGAGATGGAGCCTCCTTGCTGTGCAGA[G>C]AAGCTGGACGAGATGCTGGCAGCCGCCGCAGAGCCAACGCTGCGGCCAGACATCGCAGAC-3'
Protein context (NP_001358973.1, residues 777-797): ELASIRRRKG[Glu787Asp]KLDEMLAAAA